The following is an entry in ClinVar:

ClinVar aggregate classification (germline): Uncertain significance (1 of 4 stars; one submission).

Conditions:
Cardiovascular phenotype. Identifiers: MedGen CN230736.

Submission:

Ambry Genetics
Classification: Uncertain significance for Cardiovascular phenotype. Last evaluated: 2025-10-23. Review status: criteria provided, single submitter. Criteria: Ambry Variant Classification Scheme 2023. Collection method: clinical testing. Allele origin: germline.
Comment: The p.L609M variant (also known as c.1825C>A), located in coding exon 13 of the MYH6 gene, results from a C to A substitution at nucleotide position 1825. The leucine at codon 609 is replaced by methionine, an amino acid with highly similar properties. This amino acid position is conserved. In addition, the in silico prediction for this alteration is inconclusive. Based on the available evidence, the clinical significance of this variant remains unclear.

NM_002471.4(MYH6):c.1825C>A (p.Leu609Met)

Gene: MYH6 (myosin heavy chain 6; minus strand). Cytogenetic location: 14q11.2.
Variant type: single nucleotide variant.
Coding change: c.1825C>A on transcript NM_002471.4 (MANE Select); coding-DNA position 1825, C replaced by A.
Protein change: p.Leu609Met; replaces leucine 609 with methionine.
Molecular consequence: missense variant.
Genome position (GRCh38, 1-based): chr14:23,398,794, G>T on the plus strand (C>A on the coding strand, the complement: MYH6 is on the minus strand). VCF-style: chr14-23398794-G-T. GRCh37 (hg19) VCF-style: chr14-23868003-G-T.
Other names: short protein forms L609M.
Identifiers: ClinVar variation 4614611 (VCV004614611.1).